The following is an entry in ClinVar:

ClinVar aggregate classification (germline): Benign/Likely benign. Review status: criteria provided, multiple submitters, no conflicts (2 of 4 stars). 2 submissions from 2 submitters: Benign (1); Likely benign (1). Last evaluated 2025-12-16.

Allele frequency attached by ClinVar (database versions not stated): ExAC 0.00001; gnomAD exomes 0.00001; gnomAD 0.00003; TOPMed 0.00005; ESP Exome Variant Server 0.00008.
gnomAD v4.1: 21 of 1,613,994 alleles (0.0013%); highest among the groups gnomAD compares: African/African-American, 0.0053%; no homozygotes.

Submissions (2):

Labcorp Genetics (formerly Invitae), Labcorp
Classification: Benign. Last evaluated: 2025-12-16. Review status: criteria provided, single submitter. Criteria: Invitae Variant Classification Sherloc (09022015). Collection method: clinical testing. Allele origin: germline.

CeGaT Center for Human Genetics Tuebingen
Classification: Likely benign. Last evaluated: 2023-09-01. Review status: criteria provided, single submitter. Criteria: CeGaT Center For Human Genetics Tuebingen Variant Classification Criteria Version 2. Collection method: clinical testing. Allele origin: germline. Affected: yes. Observed: 1 variant allele.
Comment: KAT6A: BP4, BP7

NM_006766.5(KAT6A):c.4644C>T (p.Ser1548=)

Gene: KAT6A (lysine acetyltransferase 6A; minus strand). Cytogenetic location: 8p11.21.
Variant type: single nucleotide variant.
Coding change: c.4644C>T on transcript NM_006766.5 (MANE Select); coding-DNA position 4644, C replaced by T.
Protein change: p.Ser1548=; no amino-acid change (serine 1548 retained).
Molecular consequence: synonymous variant.
Genome position (GRCh38, 1-based): chr8:41,933,576, G>A on the plus strand (C>T on the coding strand, the complement: KAT6A is on the minus strand). VCF-style: chr8-41933576-G-A. GRCh37 (hg19) VCF-style: chr8-41791094-G-A.
Identifiers: ClinVar variation 2082697 (VCV002082697.28), dbSNP rs369899898, ClinGen allele CA4729443.